The following is an entry in ClinVar:

NM_001572.5(IRF7):c.1285A>G (p.Thr429Ala)

Gene: IRF7 (interferon regulatory factor 7; minus strand). Cytogenetic location: 11p15.5.
Variant type: single nucleotide variant.
Coding change: c.1285A>G on transcript NM_001572.5 (MANE Select); coding-DNA position 1285, A replaced by G.
Protein change: p.Thr429Ala; replaces threonine 429 with alanine.
Molecular consequence: missense variant.
Genome position (GRCh38, 1-based): chr11:613,070, T>C on the plus strand (A>G on the coding strand, the complement: IRF7 is on the minus strand). VCF-style: chr11-613070-T-C. GRCh37 (hg19) VCF-style: chr11-613070-T-C.
Other names: c.1198A>G, p.Thr400Ala (NM_004029.4); c.1324A>G, p.Thr442Ala (NM_004031.4); short protein forms T442A, T400A, T429A.
Identifiers: ClinVar variation 2960286 (VCV002960286.3), dbSNP rs1030581700, ClinGen allele CA216908756.

ClinVar aggregate classification (germline): Uncertain significance (1 of 4 stars; one submission).

Conditions:
Immunodeficiency 39 (IMD39). Identifiers: Orphanet 574918, MedGen C4225358, MONDO:0014597, OMIM 616345.

Allele frequency attached by ClinVar (database versions not stated): TOPMed below 0.00001; gnomAD 0.00001.

Submission:

Labcorp Genetics (formerly Invitae), Labcorp
Classification: Uncertain significance for Immunodeficiency 39. Last evaluated: 2025-11-25. Review status: criteria provided, single submitter. Criteria: Invitae Variant Classification Sherloc (09022015). Collection method: clinical testing. Allele origin: germline.
Comment: This sequence change replaces threonine, which is neutral and polar, with alanine, which is neutral and non-polar, at codon 442 of the IRF7 protein (p.Thr442Ala). This variant is not present in population databases (gnomAD no frequency). This variant has not been reported in the literature in individuals affected with IRF7-related conditions. ClinVar contains an entry for this variant (Variation ID: 2960286). Invitae Evidence Modeling of protein sequence and biophysical properties (such as structural, functional, and spatial information, amino acid conservation, physicochemical variation, residue mobility, and thermodynamic stability) indicates that this missense variant is expected to disrupt IRF7 protein function with a positive predictive value of 80%. In summary, the available evidence is currently insufficient to determine the role of this variant in disease. Therefore, it has been classified as a Variant of Uncertain Significance.